The following is an entry in ClinVar:

ClinVar aggregate classification (germline): Conflicting classifications of pathogenicity. Review status: criteria provided, conflicting classifications (1 of 4 stars). 3 submissions from 3 submitters: Uncertain significance (2); Benign (1). Last evaluated 2025-12-17.

Conditions:
Ehlers-Danlos syndrome, classic type, 1 (EDSCL1). Also called: Ehlers-Danlos Syndrome, Classic Type, COL5A1-Related; EHLERS-DANLOS SYNDROME, GRAVIS TYPE; EHLERS-DANLOS SYNDROME, SEVERE CLASSIC TYPE; Ehlers-Danlos syndrome, type 1; EDS I. Identifiers: MedGen C0268335, MONDO:0019567, OMIM 130000.
Familial thoracic aortic aneurysm and aortic dissection (TAAD). Also called: Thoracic aortic aneurysms and dissections. Identifiers: Orphanet 91387, MedGen C4707243, MONDO:0019625.

Allele frequency attached by ClinVar (database versions not stated): ExAC 0.00002; gnomAD 0.00001; gnomAD exomes 0.00001; TOPMed 0.00003.
gnomAD v4.1: 19 of 1,613,780 alleles (0.0012%); highest among the groups gnomAD compares: Admixed American, 0.0017%; no homozygotes.

Submissions (3):

Ambry Genetics
Classification: Benign for Familial thoracic aortic aneurysm and aortic dissection. Last evaluated: 2025-12-17. Review status: criteria provided, single submitter. Criteria: Ambry Variant Classification Scheme 2023. Collection method: clinical testing. Allele origin: germline.

Labcorp Genetics (formerly Invitae), Labcorp
Classification: Uncertain significance for Ehlers-Danlos syndrome, classic type, 1. Last evaluated: 2025-11-03. Review status: criteria provided, single submitter. Criteria: Invitae Variant Classification Sherloc (09022015). Collection method: clinical testing. Allele origin: germline.
Comment: This sequence change replaces isoleucine, which is neutral and non-polar, with threonine, which is neutral and polar, at codon 1439 of the COL5A2 protein (p.Ile1439Thr). This variant is present in population databases (rs754240060, gnomAD 0.003%). This variant has not been reported in the literature in individuals affected with COL5A2-related conditions. ClinVar contains an entry for this variant (Variation ID: 264388). Invitae Evidence Modeling of protein sequence and biophysical properties (such as structural, functional, and spatial information, amino acid conservation, physicochemical variation, residue mobility, and thermodynamic stability) indicates that this missense variant is not expected to disrupt COL5A2 protein function with a negative predictive value of 80%. In summary, the available evidence is currently insufficient to determine the role of this variant in disease. Therefore, it has been classified as a Variant of Uncertain Significance.

GeneDx
Classification: Uncertain significance. Last evaluated: 2023-08-08. Review status: criteria provided, single submitter. Criteria: GeneDx Variant Classification Process June 2021. Collection method: clinical testing. Allele origin: germline. Affected: yes.
Comment: Has not been previously published as pathogenic or benign to our knowledge; Not observed at significant frequency in large population cohorts (gnomAD); In silico analysis supports that this missense variant does not alter protein structure/function; Not located in the triple helical region, where the majority of pathogenic missense variants occur (Symoens et al., 2012; HGMD)

NM_000393.5(COL5A2):c.4316T>C (p.Ile1439Thr)

Gene: COL5A2 (collagen type V alpha 2 chain; minus strand). Cytogenetic location: 2q32.2.
Variant type: single nucleotide variant.
Coding change: c.4316T>C on transcript NM_000393.5 (MANE Select); coding-DNA position 4316, T replaced by C.
Protein change: p.Ile1439Thr; replaces isoleucine 1439 with threonine.
Molecular consequence: missense variant.
Genome position (GRCh38, 1-based): chr2:189,034,953, A>G on the plus strand (T>C on the coding strand, the complement: COL5A2 is on the minus strand). VCF-style: chr2-189034953-A-G. GRCh37 (hg19) VCF-style: chr2-189899679-A-G.
Other names: short protein forms I1439T.
Identifiers: ClinVar variation 264388 (VCV000264388.48), dbSNP rs754240060, ClinGen allele CA2021821.